The following is an entry in ClinVar:

NM_004974.4(KCNA2):c.640C>A (p.Gln214Lys)

Gene: KCNA2 (potassium voltage-gated channel subfamily A member 2; minus strand). Cytogenetic location: 1p13.3.
Variant type: single nucleotide variant.
Coding change: c.640C>A on transcript NM_004974.4 (MANE Select); coding-DNA position 640, C replaced by A.
Protein change: p.Gln214Lys; replaces glutamine 214 with lysine.
Molecular consequence: missense variant.
Genome position (GRCh38, 1-based): chr1:110,604,143, G>T on the plus strand (C>A on the coding strand, the complement: KCNA2 is on the minus strand). VCF-style: chr1-110604143-G-T. GRCh37 (hg19) VCF-style: chr1-111146765-G-T.
Other names: c.640C>A, p.Gln214Lys (NM_001204269.2); short protein forms Q214K.
Identifiers: ClinVar variation 1709682 (VCV001709682.2), dbSNP rs762580714, ClinGen allele CA1000689.
Genomic context (GRCh38, chr1:110,604,143, plus strand): 5'-AGAACCAGATGATGCAGAGTGTCTCTACAATGAAGAAAGGGTCTGTGAAGGAAGTGGACT[G>T]CTGGTACCCGATGGTGCTGTTGGAATAGGTGTGGAAGGTCACCCCACTACCATGCATGTC-3'
Protein context (NP_004965.1, residues 204-224): TYSNSTIGYQ[Gln214Lys]STSFTDPFFI

ClinVar aggregate classification (germline): Uncertain significance (1 of 4 stars; one submission).

Conditions:
Developmental and epileptic encephalopathy, 32 (DEE32). Also called: Epileptic encephalopathy, early infantile, 32. Identifiers: Orphanet 442835, MedGen C4225350, MONDO:0014607, OMIM 616366.

Allele frequency attached by ClinVar (database versions not stated): ExAC 0.00001.

Submission:

MGZ Medical Genetics Center
Classification: Uncertain significance for Developmental and epileptic encephalopathy, 32. Last evaluated: 2022-07-25. Review status: criteria provided, single submitter. Criteria: ACMG Guidelines, 2015. Collection method: clinical testing. Allele origin: germline. Affected: yes. Observed: 1 variant allele.
Comment: ACMG criteria applied: PM2_SUP, PP2, PP3